The following is an entry in ClinVar:

ClinVar aggregate classification (germline): Uncertain significance. Review status: criteria provided, multiple submitters, no conflicts (2 of 4 stars). 2 submissions from 2 submitters: Uncertain significance (2). Last evaluated 2025-10-26.

Conditions:
Hereditary cancer-predisposing syndrome. Also called: Tumor predisposition; Hereditary neoplastic syndrome; Neoplastic Syndromes, Hereditary; Hereditary Cancer Syndrome. Identifiers: Orphanet 140162, MedGen C0027672, MeSH D009386, MONDO:0015356.

Submissions (2):

Ambry Genetics
Classification: Uncertain significance for Hereditary cancer-predisposing syndrome. Last evaluated: 2025-10-26. Review status: criteria provided, single submitter. Criteria: Ambry Variant Classification Scheme 2023. Collection method: clinical testing. Allele origin: germline.
Comment: The p.S964Y variant (also known as c.2891C>A), located in coding exon 25 of the POLE gene, results from a C to A substitution at nucleotide position 2891. The serine at codon 964 is replaced by tyrosine, an amino acid with dissimilar properties. This amino acid position is conserved. In addition, the in silico prediction for this alteration is inconclusive. Based on the available evidence, the clinical significance of this variant remains unclear.

Labcorp Genetics (formerly Invitae), Labcorp
Classification: Uncertain significance. Last evaluated: 2019-12-22. Review status: criteria provided, single submitter. Criteria: Invitae Variant Classification Sherloc (09022015). Collection method: clinical testing. Allele origin: germline.
Comment: This variant has not been reported in the literature in individuals with POLE-related conditions. Algorithms developed to predict the effect of missense changes on protein structure and function are either unavailable or do not agree on the potential impact of this missense change (SIFT: "Deleterious"; PolyPhen-2: "Probably Damaging"; Align-GVGD: "Class C15"). In summary, the available evidence is currently insufficient to determine the role of this variant in disease. Therefore, it has been classified as a Variant of Uncertain Significance. This variant is not present in population databases (ExAC no frequency). This sequence change replaces serine with tyrosine at codon 964 of the POLE protein (p.Ser964Tyr). The serine residue is highly conserved and there is a large physicochemical difference between serine and tyrosine.

NM_006231.4(POLE):c.2891C>A (p.Ser964Tyr)

Gene: POLE (DNA polymerase epsilon, catalytic subunit; minus strand). Cytogenetic location: 12q24.33.
Variant type: single nucleotide variant.
Coding change: c.2891C>A on transcript NM_006231.4 (MANE Select); coding-DNA position 2891, C replaced by A.
Protein change: p.Ser964Tyr; replaces serine 964 with tyrosine.
Molecular consequence: missense variant.
Genome position (GRCh38, 1-based): chr12:132,661,138, G>T on the plus strand (C>A on the coding strand, the complement: POLE is on the minus strand). VCF-style: chr12-132661138-G-T. GRCh37 (hg19) VCF-style: chr12-133237724-G-T.
Other names: c.2891C>A (NM_006231.2); short protein forms S964Y.
Identifiers: ClinVar variation 861494 (VCV000861494.11), dbSNP rs2042671209, ClinGen allele CA387392830.